The following is an entry in ClinVar:

ClinVar aggregate classification (germline): Uncertain significance (1 of 4 stars; one submission).

Conditions:
Inborn genetic diseases. Identifiers: MedGen C0950123, MeSH D030342.

Submission:

Ambry Genetics
Classification: Uncertain significance for Inborn genetic diseases. Last evaluated: 2024-06-11. Review status: criteria provided, single submitter. Criteria: Ambry Variant Classification Scheme 2023. Collection method: clinical testing. Allele origin: germline.
Comment: The p.M1989V variant (also known as c.5965A>G), located in coding exon 41 of the LRRK2 gene, results from an A to G substitution at nucleotide position 5965. The methionine at codon 1989 is replaced by valine, an amino acid with highly similar properties. This amino acid position is conserved. In addition, this alteration is predicted to be deleterious by in silico analysis. Based on the available evidence, the clinical significance of this variant remains unclear.

NM_198578.4(LRRK2):c.5965A>G (p.Met1989Val)

Gene: LRRK2 (leucine rich repeat kinase 2; plus strand). Cytogenetic location: 12q12.
Variant type: single nucleotide variant.
Coding change: c.5965A>G on transcript NM_198578.4 (MANE Select); coding-DNA position 5965, A replaced by G.
Protein change: p.Met1989Val; replaces methionine 1989 with valine.
Molecular consequence: missense variant.
Genome position (GRCh38, 1-based): chr12:40,340,310, A>G. VCF-style: chr12-40340310-A-G. GRCh37 (hg19) VCF-style: chr12-40734112-A-G.
Other names: short protein forms M1989V.
Identifiers: ClinVar variation 3292063 (VCV003292063.1).
Genomic context (GRCh38, chr12:40,340,310, plus strand): 5'-ATGTAATCACATTTGAATAAGATTTCCTGTGCATTTTCTGGCAGATACCTCCACTCAGCC[A>G]TGATTATATACCGAGACCTGAAACCCCACAATGTGCTGCTTTTCACACTGTATCCCAATG-3'
Protein context (NP_940980.4, residues 1979-1999): ADGLRYLHSA[Met1989Val]IIYRDLKPHN